The following is an entry in ClinVar:

NM_006164.5(NFE2L2):c.1208T>C (p.Met403Thr)

Gene: NFE2L2 (NFE2 like bZIP transcription factor 2; minus strand). Cytogenetic location: 2q31.2.
Variant type: single nucleotide variant.
Coding change: c.1208T>C on transcript NM_006164.5 (MANE Select); coding-DNA position 1208, T replaced by C.
Protein change: p.Met403Thr; replaces methionine 403 with threonine.
Molecular consequence: missense variant.
Genome position (GRCh38, 1-based): chr2:177,231,395, A>G on the plus strand (T>C on the coding strand, the complement: NFE2L2 is on the minus strand). VCF-style: chr2-177231395-A-G. GRCh37 (hg19) VCF-style: chr2-178096123-A-G.
Other names: c.1139T>C, p.Met380Thr (NM_001145413.3); c.1160T>C, p.Met387Thr (NM_001313900.1, NM_001313901.1, NM_001145412.3); c.1118T>C, p.Met373Thr (NM_001313902.2); c.989T>C, p.Met330Thr (NM_001313903.2); c.908T>C, p.Met303Thr (NM_001313904.1); short protein forms M403T, M330T, M373T, M387T, M303T, M380T.
Identifiers: ClinVar variation 3662591 (VCV003662591.2).

ClinVar aggregate classification (germline): Uncertain significance (1 of 4 stars; one submission).

gnomAD v4.1: 4 of 1,614,254 alleles (0.00025%); highest among the groups gnomAD compares: African/African-American, 0.0027%; no homozygotes.

Submission:

Labcorp Genetics (formerly Invitae), Labcorp
Classification: Uncertain significance. Last evaluated: 2024-08-31. Review status: criteria provided, single submitter. Criteria: Invitae Variant Classification Sherloc (09022015). Collection method: clinical testing. Allele origin: germline.
Comment: This sequence change replaces methionine, which is neutral and non-polar, with threonine, which is neutral and polar, at codon 403 of the NFE2L2 protein (p.Met403Thr). This variant is not present in population databases (gnomAD no frequency). This variant has not been reported in the literature in individuals affected with NFE2L2-related conditions. Invitae Evidence Modeling of protein sequence and biophysical properties (such as structural, functional, and spatial information, amino acid conservation, physicochemical variation, residue mobility, and thermodynamic stability) indicates that this missense variant is not expected to disrupt NFE2L2 protein function with a negative predictive value of 80%. In summary, the available evidence is currently insufficient to determine the role of this variant in disease. Therefore, it has been classified as a Variant of Uncertain Significance.